The following is an entry in ClinVar:

ClinVar aggregate classification (germline): Uncertain significance (1 of 4 stars; one submission).

gnomAD v4.1: 2 of 1,211,092 alleles (0.00017%); highest among the groups gnomAD compares: Non-Finnish European, 0.00022%; no homozygotes.

Submission:

Dasa
Classification: Uncertain significance. Last evaluated: 2026-03-11. Review status: criteria provided, single submitter. Criteria: DASA Assertion Criteria. Collection method: clinical testing. Allele origin: germline.
Comment: NM_016562.4(TLR7):c.2251T>C (p.Tyr751His) is a missense variant that results in the substitution of tyrosine with histidine. This variant is rare in population databases. The currently available literature and clinical evidence are not sufficient to establish a definitive association between this variant and the reported condition. Therefore, this variant is classified as a variant of uncertain significance.

NM_016562.4(TLR7):c.2251T>C (p.Tyr751His)

Gene: TLR7 (toll like receptor 7; plus strand). Cytogenetic location: Xp22.2.
Variant type: single nucleotide variant.
Coding change: c.2251T>C on transcript NM_016562.4 (MANE Select); coding-DNA position 2251, T replaced by C.
Protein change: p.Tyr751His; replaces tyrosine 751 with histidine.
Molecular consequence: missense variant.
Genome position (GRCh38, 1-based): chrX:12,887,759, T>C. VCF-style: chrX-12887759-T-C. GRCh37 (hg19) VCF-style: chrX-12905878-T-C.
Other names: short protein forms Y751H.
Identifiers: ClinVar variation 4885531 (VCV004885531.2).